The following is an entry in ClinVar:

ClinVar aggregate classification (germline): Uncertain significance. Review status: criteria provided, multiple submitters, no conflicts (2 of 4 stars). 2 submissions from 2 submitters: Uncertain significance (2). Last evaluated 2025-02-28.

Submissions (2):

Ambry Genetics
Classification: Uncertain significance. Last evaluated: 2025-02-28. Review status: criteria provided, single submitter. Criteria: Ambry Variant Classification Scheme 2023. Collection method: clinical testing. Allele origin: germline.
Comment: The p.F359L variant (also known as c.1075T>C), located in coding exon 10 of the GEN1 gene, results from a T to C substitution at nucleotide position 1075. The phenylalanine at codon 359 is replaced by leucine, an amino acid with highly similar properties. This amino acid position is conserved. In addition, the in silico prediction for this alteration is inconclusive. Based on the available evidence, the clinical significance of this variant remains unclear.

Labcorp Genetics (formerly Invitae), Labcorp
Classification: Uncertain significance. Last evaluated: 2023-11-07. Review status: criteria provided, single submitter. Criteria: Invitae Variant Classification Sherloc (09022015). Collection method: clinical testing. Allele origin: germline.
Comment: This sequence change replaces phenylalanine, which is neutral and non-polar, with leucine, which is neutral and non-polar, at codon 359 of the GEN1 protein (p.Phe359Leu). This variant is not present in population databases (gnomAD no frequency). This variant has not been reported in the literature in individuals affected with GEN1-related conditions. An algorithm developed to predict the effect of missense changes on protein structure and function (PolyPhen-2) suggests that this variant is likely to be disruptive. In summary, the available evidence is currently insufficient to determine the role of this variant in disease. Therefore, it has been classified as a Variant of Uncertain Significance.

NM_001130009.3(GEN1):c.1075T>C (p.Phe359Leu)

Gene: GEN1 (GEN1 structure-specific endonuclease; plus strand). Cytogenetic location: 2p24.2.
Variant type: single nucleotide variant.
Coding change: c.1075T>C on transcript NM_001130009.3 (MANE Select); coding-DNA position 1075, T replaced by C.
Protein change: p.Phe359Leu; replaces phenylalanine 359 with leucine.
Molecular consequence: missense variant.
Genome position (GRCh38, 1-based): chr2:17,774,274, T>C. VCF-style: chr2-17774274-T-C. GRCh37 (hg19) VCF-style: chr2-17955541-T-C.
Other names: c.1075T>C (NM_001130009.1); c.1075T>C, p.Phe359Leu (NM_182625.5); short protein forms F359L.
Identifiers: ClinVar variation 2791102 (VCV002791102.4), dbSNP rs2545594403, ClinGen allele CA345919894.
Genomic context (GRCh38, chr2:17,774,274, plus strand): 5'-GTGCTATTTGTCTCCAAGAGATAACAAAATCTTGTTTTATTTTTATTATATTTATAGAGA[T>C]TTACTCTTGAAAAAATGGAGTGGCCCAATCACTATGCATGTGAGAAATTGCTGGTACTTT-3'
Protein context (NP_001123481.3, residues 349-369): QRPDLLLFQR[Phe359Leu]TLEKMEWPNH